The following is an entry in ClinVar:

ClinVar aggregate classification (germline): Uncertain significance. Review status: criteria provided, multiple submitters, no conflicts (2 of 4 stars). 2 submissions from 2 submitters: Uncertain significance (2). Last evaluated 2022-08-16.

Allele frequency attached by ClinVar (database versions not stated): gnomAD 0.00001; ExAC 0.00002; TOPMed 0.00002; gnomAD exomes 0.00003.
gnomAD v4.1: 41 of 1,608,260 alleles (0.0025%); highest among the groups gnomAD compares: Admixed American, 0.005%; no homozygotes.

Submissions (2):

Labcorp Genetics (formerly Invitae), Labcorp
Classification: Uncertain significance. Last evaluated: 2022-08-16. Review status: criteria provided, single submitter. Criteria: Invitae Variant Classification Sherloc (09022015). Collection method: clinical testing. Allele origin: germline.
Comment: This sequence change replaces tyrosine, which is neutral and polar, with phenylalanine, which is neutral and non-polar, at codon 4598 of the LRP2 protein (p.Tyr4598Phe). This variant is present in population databases (rs769866427, gnomAD 0.01%). This variant has not been reported in the literature in individuals affected with LRP2-related conditions. ClinVar contains an entry for this variant (Variation ID: 1390331). Advanced modeling of protein sequence and biophysical properties (such as structural, functional, and spatial information, amino acid conservation, physicochemical variation, residue mobility, and thermodynamic stability) performed at Invitae indicates that this missense variant is not expected to disrupt LRP2 protein function. In summary, the available evidence is currently insufficient to determine the role of this variant in disease. Therefore, it has been classified as a Variant of Uncertain Significance.

Blueprint Genetics
Classification: Uncertain significance. Last evaluated: 2021-10-25. Review status: criteria provided, single submitter. Criteria: ACMG Guidelines, 2015. Collection method: clinical testing. Allele origin: germline.

NM_004525.3(LRP2):c.13793A>T (p.Tyr4598Phe)

Gene: LRP2 (LDL receptor related protein 2; minus strand). Cytogenetic location: 2q31.1.
Variant type: single nucleotide variant.
Coding change: c.13793A>T on transcript NM_004525.3 (MANE Select); coding-DNA position 13793, A replaced by T.
Protein change: p.Tyr4598Phe; replaces tyrosine 4598 with phenylalanine.
Molecular consequence: missense variant.
Genome position (GRCh38, 1-based): chr2:169,129,020, T>A on the plus strand (A>T on the coding strand, the complement: LRP2 is on the minus strand). VCF-style: chr2-169129020-T-A. GRCh37 (hg19) VCF-style: chr2-169985530-T-A.
Other names: short protein forms Y4598F.
Identifiers: ClinVar variation 1390331 (VCV001390331.4), dbSNP rs769866427, ClinGen allele CA1952423.